The following is an entry in ClinVar:

NM_201384.3(PLEC):c.2179-10G>A

Gene: PLEC (plectin; minus strand). Cytogenetic location: 8q24.3.
Variant type: single nucleotide variant.
Coding change: c.2179-10G>A on transcript NM_201384.3 (MANE Select); 10 bases into the intron before coding-DNA position 2179, G replaced by A.
Molecular consequence: intron variant.
Genome position (GRCh38, 1-based): chr8:143,931,669, C>T on the plus strand (G>A on the coding strand, the complement: PLEC is on the minus strand). VCF-style: chr8-143931669-C-T. GRCh37 (hg19) VCF-style: chr8-145005837-C-T.
Other names: c.2260-10G>A (NM_000445.5); c.2137-10G>A (NM_201378.4); c.2113-10G>A (NM_201379.3); c.2590-10G>A (NM_201380.4); c.2083-10G>A (NM_201381.3); c.2179-10G>A (NM_201382.4); c.2191-10G>A (NM_201383.3).
Identifiers: ClinVar variation 539014 (VCV000539014.12), dbSNP rs199830463, ClinGen allele CA4927612.

ClinVar aggregate classification (germline): Likely benign. Review status: criteria provided, multiple submitters, no conflicts (2 of 4 stars). 3 submissions from 3 submitters: Likely benign (3). Last evaluated 2026-08-26.

Conditions:
PLEC-related disorder. Also called: PLEC-related disorders; PLEC-related condition.
Epidermolysis bullosa simplex, Ogna type (EBS5A). Also called: Pidermolysis bullosa simplex 5A, Ogna type; EPIDERMOLYSIS BULLOSA SIMPLEX 5A, OGNA TYPE. Identifiers: Orphanet 79401, MedGen C0432317, MONDO:0007555, OMIM 131950.
Epidermolysis bullosa simplex 5B, with muscular dystrophy (EBS5B). Also called: Epidermolysis bullosa simplex with muscular dystrophy; EPIDERMOLYSIS BULLOSA SIMPLEX AND LIMB-GIRDLE MUSCULAR DYSTROPHY. Identifiers: Orphanet 257, MedGen C2931072, MONDO:0009181, OMIM 226670.
Epidermolysis bullosa simplex with nail dystrophy (EBS5D). Identifiers: MedGen C4225309, MONDO:0014661, OMIM 616487.
Autosomal recessive limb-girdle muscular dystrophy type 2Q (LGMDR17). Also called: MUSCULAR DYSTROPHY, LIMB-GIRDLE, AUTOSOMAL RECESSIVE 17. Identifiers: Orphanet 254361, MedGen C3150989, MONDO:0013390, OMIM 613723.
Epidermolysis bullosa simplex 5C, with pyloric atresia (EBS5C). Also called: PLEC-Related Epidermolysis Bullosa with Pyloric Atresia; Epidermolysis bullosa simplex with pyloric atresia; PLEC1-Related Epidermolysis Bullosa with Pyloric Atresia. Identifiers: Orphanet 158684, MedGen C2677349, MONDO:0012807, OMIM 612138.

Allele frequency attached by ClinVar (database versions not stated): gnomAD 0.00003; gnomAD exomes 0.00003; TOPMed 0.00003; ExAC 0.00008; 1000 Genomes Project 30x 0.00031.
gnomAD v4.1: 53 of 1,596,076 alleles (0.0033%); highest among the groups gnomAD compares: East Asian, 0.025%; no homozygotes.

Submissions (3):

PreventionGenetics, part of Exact Sciences
Classification: Likely benign for PLEC-related condition. Last evaluated: 2026-08-26. Review status: criteria provided, single submitter. Criteria: ACMG Guidelines, 2015. Collection method: clinical testing. Allele origin: germline.
Comment: This variant is classified as likely benign based on ACMG/AMP sequence variant interpretation guidelines (Richards et al. 2015 PMID: 25741868, with internal and published modifications).

Labcorp Genetics (formerly Invitae), Labcorp
Classification: Likely benign for Autosomal recessive limb-girdle muscular dystrophy type 2Q; Epidermolysis bullosa simplex, Ogna type; Epidermolysis bullosa simplex with nail dystrophy; Epidermolysis bullosa simplex 5C, with pyloric atresia; Epidermolysis bullosa simplex 5B, with muscular dystrophy. Last evaluated: 2025-12-31. Review status: criteria provided, single submitter. Criteria: Invitae Variant Classification Sherloc (09022015). Collection method: clinical testing. Allele origin: germline.

Blueprint Genetics
Classification: Likely benign. Last evaluated: 2024-02-16. Review status: criteria provided, single submitter. Criteria: ACMG Guidelines, 2015. Collection method: clinical testing. Allele origin: germline.